The following is an entry in ClinVar:

NM_004817.4(TJP2):c.2865G>A (p.Pro955=)

Gene: TJP2 (tight junction protein 2; plus strand). Cytogenetic location: 9q21.11.
Variant type: single nucleotide variant.
Coding change: c.2865G>A on transcript NM_004817.4 (MANE Select); coding-DNA position 2865, G replaced by A.
Protein change: p.Pro955=; no amino-acid change (proline 955 retained).
Molecular consequence: synonymous variant. On other transcripts: intron variant (1).
Genome position (GRCh38, 1-based): chr9:69,248,209, G>A. VCF-style: chr9-69248209-G-A. GRCh37 (hg19) VCF-style: chr9-71863125-G-A.
Other names: c.2796G>A, p.Pro932= (NM_001170414.2, NM_001369871.1); c.2877G>A, p.Pro959= (NM_001170415.1, NM_001369874.1, NM_001369875.1); c.2958G>A, p.Pro986= (NM_001170416.2); c.2790G>A, p.Pro930= (NM_001369870.1); c.2865G>A, p.Pro955= (NM_001369872.1, NM_201629.3); c.2667+1419G>A (NM_001369873.1).
Identifiers: ClinVar variation 165421 (VCV000165421.5), dbSNP rs727503480, ClinGen allele CA178189.

ClinVar aggregate classification (germline): Likely benign (1 of 4 stars; one submission).

Allele frequency attached by ClinVar (database versions not stated): gnomAD exomes below 0.00001.
gnomAD v4.1: 5 of 1,602,612 alleles (0.00031%); highest among the groups gnomAD compares: African/African-American, 0.0013%; no homozygotes.

Submission:

Laboratory for Molecular Medicine, Mass General Brigham Personalized Medicine
Classification: Likely benign. Last evaluated: 2014-07-29. Review status: criteria provided, single submitter. Criteria: LMM Criteria. Collection method: clinical testing. Allele origin: germline. Observed: 1 variant allele.
Comment: Pro955Pro in exon 19E of TJP2: This variant is not expected to have clinical sig nificance because it does not alter an amino acid residue and is not located wit hin the splice consensus sequence.